The following is an entry in ClinVar:

ClinVar aggregate classification (germline): Uncertain significance (1 of 4 stars; one submission).

Conditions:
Familial thoracic aortic aneurysm and aortic dissection (TAAD). Also called: Thoracic aortic aneurysms and dissections. Identifiers: Orphanet 91387, MedGen C4707243, MONDO:0019625.

Submission:

Ambry Genetics
Classification: Uncertain significance for Familial thoracic aortic aneurysm and aortic dissection. Last evaluated: 2026-06-18. Review status: criteria provided, single submitter. Criteria: Ambry Variant Classification Scheme 2023. Collection method: clinical testing. Allele origin: germline.
Comment: The p.P680R variant (also known as c.2039C>G), located in coding exon 21 of the COL5A1 gene, results from a C to G substitution at nucleotide position 2039. The proline at codon 680 is replaced by arginine, an amino acid with dissimilar properties. This amino acid position is conserved. In addition, the in silico prediction for this alteration is inconclusive. Based on the available evidence, the clinical significance of this variant remains unclear.

NM_000093.5(COL5A1):c.2039C>G (p.Pro680Arg)

Gene: COL5A1 (collagen type V alpha 1 chain; plus strand). Cytogenetic location: 9q34.3.
Variant type: single nucleotide variant.
Coding change: c.2039C>G on transcript NM_000093.5 (MANE Select); coding-DNA position 2039, C replaced by G.
Protein change: p.Pro680Arg; replaces proline 680 with arginine.
Molecular consequence: missense variant.
Genome position (GRCh38, 1-based): chr9:134,765,685, C>G. VCF-style: chr9-134765685-C-G. GRCh37 (hg19) VCF-style: chr9-137657531-C-G.
Other names: c.2039C>G, p.Pro680Arg (NM_001278074.1); short protein forms P680R.
Identifiers: ClinVar variation 5034806 (VCV005034806.1).